The following is an entry in ClinVar:

NM_001008216.2(GALE):c.409G>A (p.Gly137Arg)

Gene: GALE (UDP-galactose-4-epimerase; minus strand). Cytogenetic location: 1p36.11.
Variant type: single nucleotide variant.
Coding change: c.409G>A on transcript NM_001008216.2 (MANE Select); coding-DNA position 409, G replaced by A.
Protein change: p.Gly137Arg; replaces glycine 137 with arginine.
Molecular consequence: missense variant.
Genome position (GRCh38, 1-based): chr1:23,797,814, C>T on the plus strand (G>A on the coding strand, the complement: GALE is on the minus strand). VCF-style: chr1-23797814-C-T. GRCh37 (hg19) VCF-style: chr1-24124304-C-T.
Other names: c.409G>A, p.Gly137Arg (NM_000403.4, NM_001127621.2); short protein forms G137R.
Identifiers: ClinVar variation 1025582 (VCV001025582.6), dbSNP rs372715385, ClinGen allele CA19281592.

ClinVar aggregate classification (germline): Uncertain significance (1 of 4 stars; one submission).

Conditions:
UDPglucose-4-epimerase deficiency. Also called: Galactose epimerase deficiency; Epimerase Deficiency Galactosemia; UDPglucose 4-Epimerase Deficiency Disease; GALACTOSEMIA III; GALE DEFICIENCY; UDP-GALACTOSE-4-EPIMERASE DEFICIENCY. Identifiers: Orphanet 352, Orphanet 79238, MedGen C0751161, MONDO:0009257, OMIM 230350.

Allele frequency attached by ClinVar (database versions not stated): gnomAD below 0.00001 and 0.00001; gnomAD exomes 0.00001; ESP Exome Variant Server 0.00008; TOPMed 0.00001.
gnomAD v4.1: 10 of 1,614,026 alleles (0.00062%); highest among the groups gnomAD compares: Admixed American, 0.0017%; no homozygotes.

Submission:

Labcorp Genetics (formerly Invitae), Labcorp
Classification: Uncertain significance for UDPglucose-4-epimerase deficiency. Last evaluated: 2021-08-13. Review status: criteria provided, single submitter. Criteria: Invitae Variant Classification Sherloc (09022015). Collection method: clinical testing. Allele origin: germline.
Comment: This sequence change replaces glycine with arginine at codon 137 of the GALE protein (p.Gly137Arg). The glycine residue is highly conserved and there is a moderate physicochemical difference between glycine and arginine. This variant is not present in population databases (ExAC no frequency). This variant has not been reported in the literature in individuals affected with GALE-related conditions. Algorithms developed to predict the effect of missense changes on protein structure and function are either unavailable or do not agree on the potential impact of this missense change (SIFT: "Deleterious"; PolyPhen-2: "Probably Damaging"; Align-GVGD: "Class C15"). Algorithms developed to predict the effect of sequence changes on RNA splicing suggest that this variant may create or strengthen a splice site. In summary, the available evidence is currently insufficient to determine the role of this variant in disease. Therefore, it has been classified as a Variant of Uncertain Significance.